The following is an entry in ClinVar:

NM_017780.4(CHD7):c.109A>G (p.Met37Val)

Gene: CHD7 (chromodomain helicase DNA binding protein 7; plus strand). Cytogenetic location: 8q12.2.
Variant type: single nucleotide variant.
Coding change: c.109A>G on transcript NM_017780.4 (MANE Select); coding-DNA position 109, A replaced by G.
Protein change: p.Met37Val; replaces methionine 37 with valine.
Molecular consequence: missense variant.
Genome position (GRCh38, 1-based): chr8:60,741,541, A>G. VCF-style: chr8-60741541-A-G. GRCh37 (hg19) VCF-style: chr8-61654100-A-G.
Other names: c.109A>G, p.Met37Val (NM_001316690.1); c.109A>G (NM_017780.2); short protein forms M37V.
Identifiers: ClinVar variation 1431054 (VCV001431054.8), dbSNP rs1416709395, ClinGen allele CA371295642.

ClinVar aggregate classification (germline): Conflicting classifications of pathogenicity. Review status: criteria provided, conflicting classifications (1 of 4 stars). 3 submissions from 3 submitters: Uncertain significance (2); Likely benign (1). Last evaluated 2025-12-26.

Conditions:
CHARGE syndrome (CHARGE). Also called: Coloboma, heart anomaly, choanal atresia, retardation, genital and ear anomalies; CHARGE association; Hall-Hittner syndrome; Hittner Hirsch Kreh syndrome; CHARGE ASSOCIATION--COLOBOMA, HEART ANOMALY, CHOANAL ATRESIA, RETARDATION, GENITAL AND EAR ANOMALIES. Identifiers: Orphanet 138, MedGen C0265354, MONDO:0008965.
Hypogonadotropic hypogonadism 5 with or without anosmia (KAL5). Also called: HYPOGONADOTROPIC HYPOGONADISM 5 WITH ANOSMIA; HYPOGONADOTROPHIC HYPOGONADISM 5 WITHOUT ANOSMIA; CHD7-Related GnRH Deficiency (Kallmann Syndrome 5). Identifiers: Orphanet 478, MedGen C3552553, MONDO:0012880, OMIM 612370. Disease mechanism: loss of function.

Allele frequency attached by ClinVar (database versions not stated): TOPMed 0.00001.
gnomAD v4.1: 42 of 1,613,460 alleles (0.0026%); highest among the groups gnomAD compares: Non-Finnish European, 0.0034%; no homozygotes.

Submissions (3):

Labcorp Genetics (formerly Invitae), Labcorp
Classification: Likely benign for CHARGE syndrome. Last evaluated: 2025-12-26. Review status: criteria provided, single submitter. Criteria: Invitae Variant Classification Sherloc (09022015). Collection method: clinical testing. Allele origin: germline.

Fulgent Genetics
Classification: Uncertain significance for CHD7-related CHARGE syndrome; Hypogonadotropic hypogonadism 5 with or without anosmia. Last evaluated: 2024-04-04. Review status: criteria provided, single submitter. Criteria: ACMG Guidelines, 2015. Collection method: clinical testing. Allele origin: germline.

GeneDx
Classification: Uncertain significance. Last evaluated: 2022-08-18. Review status: criteria provided, single submitter. Criteria: GeneDx Variant Classification Process June 2021. Collection method: clinical testing. Allele origin: germline. Affected: yes.
Comment: Not observed at significant frequency in large population cohorts (gnomAD); In silico analysis supports that this missense variant does not alter protein structure/function; Has not been previously published as pathogenic or benign to our knowledge